The following is an entry in ClinVar:

ClinVar aggregate classification (germline): Uncertain significance (1 of 4 stars; one submission).

Conditions:
Diamond-Blackfan anemia. Also called: Blackfan Diamond syndrome; Aregenerative anemia chronic congenital; Red cell aplasia, pure hereditary; Congenital hypoplastic anemia; Aase syndrome. Identifiers: Orphanet 124, MedGen C1260899, MeSH D029503, MONDO:0015253, HP:0004810.
GATA binding protein 1 related thrombocytopenia with dyserythropoiesis. Also called: GATA1-Related X-Linked Cytopenia; GATA1-Related Cytopenia. Identifiers: MedGen C1845837, MONDO:0100089.

Submission:

Labcorp Genetics (formerly Invitae), Labcorp
Classification: Uncertain significance for GATA binding protein 1 related thrombocytopenia with dyserythropoiesis; Diamond-Blackfan anemia. Last evaluated: 2017-12-08. Review status: criteria provided, single submitter. Criteria: Invitae Variant Classification Sherloc (09022015). Collection method: clinical testing. Allele origin: germline.
Comment: This sequence change replaces asparagine with lysine at codon 160 of the GATA1 protein (p.Asn160Lys). The asparagine residue is weakly conserved and there is a moderate physicochemical difference between asparagine and lysine. Algorithms developed to predict the effect of sequence changes on RNA splicing suggest that this variant may create or strengthen a splice site, but this prediction has not been confirmed by published transcriptional studies. This variant has not been reported in the literature in individuals with GATA1-related disease. This variant is not present in population databases (ExAC no frequency). Algorithms developed to predict the effect of missense changes on protein structure and function (SIFT, PolyPhen-2, Align-GVGD) all suggest that this variant is likely to be tolerated, but these predictions have not been confirmed by published functional studies and their clinical significance is uncertain. In summary, the available evidence is currently insufficient to determine the role of this variant in disease. Therefore, it has been classified as a Variant of Uncertain Significance.

NM_002049.4(GATA1):c.480T>G (p.Asn160Lys)

Gene: GATA1 (GATA binding protein 1; plus strand). Cytogenetic location: Xp11.23.
Variant type: single nucleotide variant.
Coding change: c.480T>G on transcript NM_002049.4 (MANE Select); coding-DNA position 480, T replaced by G.
Protein change: p.Asn160Lys; replaces asparagine 160 with lysine.
Molecular consequence: missense variant.
Genome position (GRCh38, 1-based): chrX:48,792,103, T>G. VCF-style: chrX-48792103-T-G. GRCh37 (hg19) VCF-style: chrX-48650510-T-G.
Other names: short protein forms N160K.
Identifiers: ClinVar variation 533695 (VCV000533695.10), dbSNP rs143332634, ClinGen allele CA412869423.